The following is an entry in ClinVar:

ClinVar aggregate classification (germline): Conflicting classifications of pathogenicity. Review status: criteria provided, conflicting classifications (1 of 4 stars). 6 submissions from 6 submitters: Uncertain significance (4); Likely benign (1). 1 of the submissions does not count toward it. Last evaluated 2025-02-26.

Conditions:
ATM-related cancer predisposition. Also called: ATM-related cancer susceptibility. Identifiers: MedGen CN377759, MONDO:0700270.
Hereditary cancer-predisposing syndrome. Also called: Hereditary neoplastic syndrome; Hereditary Cancer Syndrome; Neoplastic Syndromes, Hereditary; Tumor predisposition. Identifiers: Orphanet 140162, MedGen C0027672, MeSH D009386, MONDO:0015356.
Ataxia-telangiectasia syndrome (AT). Also called: Ataxia telangiectasia (A-T); Cerebello-oculocutaneous telangiectasia; Immunodeficiency with ataxia telangiectasia; Ataxia-telangiectasia, complementation group E; LOUIS-BAR SYNDROME; Ataxia-telangiectasia, complementation group D. Identifiers: Orphanet 100, MedGen C0004135, MONDO:0008840, OMIM 208900.
Familial cancer of breast. Also called: BREAST CANCER, FAMILIAL; hereditary breast carcinoma; Hereditary breast cancer. Identifiers: Orphanet 227535, MedGen C0346153, MONDO:0016419, OMIM 114480. Disease mechanism: loss of function.

Allele frequency attached by ClinVar (database versions not stated): gnomAD exomes below 0.00001.
gnomAD v4.1: 2 of 1,614,098 alleles (0.00012%); highest among the groups gnomAD compares: South Asian, 0.0011%; no homozygotes.

Submissions (6):

Ambry Genetics
Classification: Likely benign for Hereditary cancer-predisposing syndrome. Last evaluated: 2025-02-26. Review status: criteria provided, single submitter. Criteria: Ambry Variant Classification Scheme 2023. Collection method: clinical testing. Allele origin: germline.

Labcorp Genetics (formerly Invitae), Labcorp
Classification: Uncertain significance for Ataxia-telangiectasia syndrome. Last evaluated: 2024-01-09. Review status: criteria provided, single submitter. Criteria: Invitae Variant Classification Sherloc (09022015). Collection method: clinical testing. Allele origin: germline.
Comment: This sequence change replaces methionine, which is neutral and non-polar, with valine, which is neutral and non-polar, at codon 847 of the ATM protein (p.Met847Val). This variant is present in population databases (rs587779823, gnomAD 0.003%). This variant has not been reported in the literature in individuals affected with ATM-related conditions. ClinVar contains an entry for this variant (Variation ID: 127352). An algorithm developed to predict the effect of missense changes on protein structure and function (PolyPhen-2) suggests that this variant is likely to be tolerated. In summary, the available evidence is currently insufficient to determine the role of this variant in disease. Therefore, it has been classified as a Variant of Uncertain Significance.

Baylor Genetics
Classification: Uncertain significance for Familial cancer of breast. Last evaluated: 2023-12-22. Review status: criteria provided, single submitter. Criteria: ACMG Guidelines, 2015. Collection method: clinical testing. Allele origin: unknown.

Department of Pathology and Laboratory Medicine, Sinai Health System
Classification: Uncertain significance for ATM-related cancer predisposition. Last evaluated: 2023-11-13. Review status: criteria provided, single submitter. Criteria: ACMG Guidelines, 2015. Collection method: clinical testing. Allele origin: germline. Affected: yes.

GeneDx
Classification: Uncertain significance. Last evaluated: 2013-09-27. Review status: criteria provided, single submitter. Criteria: GeneDx Variant Classification (06012015). Collection method: clinical testing. Allele origin: germline. Affected: yes.
Comment: This variant is denoted ATM c.2539A>G at the cDNA level and p.Met847Val (M847V) at the protein level, resulting in the change of a Methionine (ATG) to a Valine (GTG) at amino acid 847 in exon 11. This variant is a conservative substitution of one neutral, non-polar amino acid for another and alters a position that is not well conserved throughout evolution. In silico analyses predict ATM Met847Val to have a benign effect on the protein structure/function. This variant was not observed in approximately 6,500 individuals of European and African American ancestry in the NHLBI Exome Sequencing Project, suggesting it is not a common benign variant in these populations. Given the available evidence, it is not possible to conclude whether this variant is pathogenic or benign, and we therefore consider it to have unknown significance. The variant is found in BR-OV-HEREDIC panel(s).

Natera, Inc.
Classification: Uncertain significance for Ataxia-telangiectasia. Last evaluated: 2021-06-21. Review status: no assertion criteria provided. Collection method: clinical testing. Allele origin: germline. Not counted in ClinVar's aggregate classification.

NM_000051.4(ATM):c.2539A>G (p.Met847Val)

Gene: ATM (ATM serine/threonine kinase; plus strand). Cytogenetic location: 11q22.3.
Variant type: single nucleotide variant.
Coding change: c.2539A>G on transcript NM_000051.4 (MANE Select); coding-DNA position 2539, A replaced by G.
Protein change: p.Met847Val; replaces methionine 847 with valine.
Molecular consequence: missense variant.
Genome position (GRCh38, 1-based): chr11:108,267,243, A>G. VCF-style: chr11-108267243-A-G. GRCh37 (hg19) VCF-style: chr11-108137970-A-G.
Other names: p.M847V:ATG>GTG; c.2539A>G, p.Met847Val (NM_001351834.2); short protein forms M847V.
Identifiers: ClinVar variation 127352 (VCV000127352.21), dbSNP rs587779823, ClinGen allele CA286760.